The following is an entry in ClinVar:

NM_020975.6(RET):c.3055G>C (p.Ala1019Pro)

Gene: RET (ret proto-oncogene; plus strand). Cytogenetic location: 10q11.21.
Variant type: single nucleotide variant.
Coding change: c.3055G>C on transcript NM_020975.6 (MANE Select); coding-DNA position 3055, G replaced by C.
Protein change: p.Ala1019Pro; replaces alanine 1019 with proline.
Molecular consequence: missense variant.
Genome position (GRCh38, 1-based): chr10:43,126,590, G>C. VCF-style: chr10-43126590-G-C. GRCh37 (hg19) VCF-style: chr10-43622038-G-C.
Other names: c.2293G>C, p.Ala765Pro (NM_001355216.2); c.3055G>C, p.Ala1019Pro (NM_001406743.1, NM_001406744.1, NM_001406759.1 and 2 more transcripts); c.2926G>C, p.Ala976Pro (NM_001406761.1, NM_001406762.1, NM_001406764.1); c.2920G>C, p.Ala974Pro (NM_001406763.1, NM_001406765.1); c.2767G>C, p.Ala923Pro (NM_001406766.1, NM_001406767.1, NM_001406770.1); c.2791G>C, p.Ala931Pro (NM_001406768.1); c.2659G>C, p.Ala887Pro (NM_001406769.1, NM_001406772.1); c.2617G>C, p.Ala873Pro (NM_001406771.1, NM_001406773.1); and 10 more; short protein forms A624P, A720P, A765P, A887P, A689P, A777P, A844P, A873P.
Identifiers: ClinVar variation 3788293 (VCV003788293.1).

ClinVar aggregate classification (germline): Uncertain significance (1 of 4 stars; one submission).

Conditions:
Hereditary cancer-predisposing syndrome. Also called: Neoplastic Syndromes, Hereditary; Hereditary Cancer Syndrome; Tumor predisposition; Hereditary neoplastic syndrome. Identifiers: Orphanet 140162, MedGen C0027672, MeSH D009386, MONDO:0015356.

Submission:

Ambry Genetics
Classification: Uncertain significance for Hereditary cancer-predisposing syndrome. Last evaluated: 2025-02-08. Review status: criteria provided, single submitter. Criteria: Ambry Variant Classification Scheme 2023. Collection method: clinical testing. Allele origin: germline.
Comment: The p.A1019P variant (also known as c.3055G>C), located in coding exon 19 of the RET gene, results from a G to C substitution at nucleotide position 3055. The alanine at codon 1019 is replaced by proline, an amino acid with highly similar properties. This amino acid position is conserved. In addition, the in silico prediction for this alteration is inconclusive. Based on the available evidence, the clinical significance of this variant remains unclear.